The following is an entry in ClinVar:

NM_004994.3(MMP9):c.167G>A (p.Arg56Gln)

Gene: MMP9 (matrix metallopeptidase 9; plus strand). Cytogenetic location: 20q13.12.
Variant type: single nucleotide variant.
Coding change: c.167G>A on transcript NM_004994.3 (MANE Select); coding-DNA position 167, G replaced by A.
Protein change: p.Arg56Gln; replaces arginine 56 with glutamine.
Molecular consequence: missense variant.
Genome position (GRCh38, 1-based): chr20:46,009,894, G>A. VCF-style: chr20-46009894-G-A. GRCh37 (hg19) VCF-style: chr20-44638533-G-A.
Other names: short protein forms R56Q.
Identifiers: ClinVar variation 4691891 (VCV004691891.1).

ClinVar aggregate classification (germline): Uncertain significance (1 of 4 stars; one submission).

Submission:

Labcorp Genetics (formerly Invitae), Labcorp
Classification: Uncertain significance. Last evaluated: 2025-03-18. Review status: criteria provided, single submitter. Criteria: Invitae Variant Classification Sherloc (09022015). Collection method: clinical testing. Allele origin: germline.
Comment: This sequence change replaces arginine, which is basic and polar, with glutamine, which is neutral and polar, at codon 56 of the MMP9 protein (p.Arg56Gln). The frequency data for this variant in the population databases is considered unreliable, as metrics indicate poor data quality at this position in the gnomAD database. This variant has not been reported in the literature in individuals affected with MMP9-related conditions. Invitae Evidence Modeling of protein sequence and biophysical properties (such as structural, functional, and spatial information, amino acid conservation, physicochemical variation, residue mobility, and thermodynamic stability) indicates that this missense variant is not expected to disrupt MMP9 protein function with a negative predictive value of 80%. In summary, the available evidence is currently insufficient to determine the role of this variant in disease. Therefore, it has been classified as a Variant of Uncertain Significance.